The following is an entry in ClinVar:

NM_015158.5(KANK1):c.2228C>G (p.Ser743Cys)

Gene: KANK1 (KN motif and ankyrin repeat domains 1; plus strand). Cytogenetic location: 9p24.3.
Variant type: single nucleotide variant.
Coding change: c.2228C>G on transcript NM_015158.5 (MANE Select); coding-DNA position 2228, C replaced by G.
Protein change: p.Ser743Cys; replaces serine 743 with cysteine.
Molecular consequence: missense variant. On other transcripts: non-coding transcript variant (1).
Genome position (GRCh38, 1-based): chr9:712,994, C>G. VCF-style: chr9-712994-C-G. GRCh37 (hg19) VCF-style: chr9-712994-C-G.
Other names: c.2228C>G, p.Ser743Cys (NM_001256876.3, NM_001256877.3, NM_001354331.2 and 2 more transcripts); c.1754C>G, p.Ser585Cys (NM_001354333.2, NM_001354335.2, NM_001354336.2 and 9 more transcripts); short protein forms S743C, S585C.
Identifiers: ClinVar variation 3712055 (VCV003712055.2).

ClinVar aggregate classification (germline): Uncertain significance (1 of 4 stars; one submission).

gnomAD v4.1: 28 of 1,614,220 alleles (0.0017%); highest among the groups gnomAD compares: African/African-American, 0.033%; no homozygotes.

Submission:

Labcorp Genetics (formerly Invitae), Labcorp
Classification: Uncertain significance. Last evaluated: 2025-12-02. Review status: criteria provided, single submitter. Criteria: Invitae Variant Classification Sherloc (09022015). Collection method: clinical testing. Allele origin: germline.
Comment: This sequence change replaces serine, which is neutral and polar, with cysteine, which is neutral and slightly polar, at codon 743 of the KANK1 protein (p.Ser743Cys). This variant is present in population databases (rs114563873, gnomAD 0.04%). This variant has not been reported in the literature in individuals affected with KANK1-related conditions. ClinVar contains an entry for this variant (Variation ID: 3712055). Invitae Evidence Modeling of protein sequence and biophysical properties (such as structural, functional, and spatial information, amino acid conservation, physicochemical variation, residue mobility, and thermodynamic stability) indicates that this missense variant is expected to disrupt KANK1 protein function with a positive predictive value of 80%. In summary, the available evidence is currently insufficient to determine the role of this variant in disease. Therefore, it has been classified as a Variant of Uncertain Significance.